The following is an entry in ClinVar:

NM_006648.4(WNK2):c.3496G>A (p.Ala1166Thr)

Gene: WNK2 (WNK lysine deficient protein kinase 2; plus strand). Cytogenetic location: 9q22.31.
Variant type: single nucleotide variant.
Coding change: c.3496G>A on transcript NM_006648.4 (MANE Select); coding-DNA position 3496, G replaced by A.
Protein change: p.Ala1166Thr; replaces alanine 1166 with threonine.
Molecular consequence: missense variant.
Genome position (GRCh38, 1-based): chr9:93,263,651, G>A. VCF-style: chr9-93263651-G-A. GRCh37 (hg19) VCF-style: chr9-96025933-G-A.
Other names: c.3496G>A, p.Ala1166Thr (NM_001282394.3); short protein forms A1166T.
Identifiers: ClinVar variation 5031956 (VCV005031956.1).

ClinVar aggregate classification (germline): Uncertain significance (1 of 4 stars; one submission).

Submission:

Ambry Genetics
Classification: Uncertain significance. Last evaluated: 2026-08-28. Review status: criteria provided, single submitter. Criteria: Ambry Variant Classification Scheme 2023. Collection method: clinical testing. Allele origin: germline.
Comment: The p.A1166T variant (also known as c.3496G>A), located in coding exon 14 of the WNK2 gene, results from a G to A substitution at nucleotide position 3496. The alanine at codon 1166 is replaced by threonine, an amino acid with similar properties. This amino acid position is conserved. In addition, this alteration is predicted to be tolerated by in silico analysis. Based on the available evidence, the clinical significance of this variant remains unclear.